The following is an entry in ClinVar:

NM_000051.4(ATM):c.8850+1G>A

Genes: C11orf65 (chromosome 11 open reading frame 65; minus strand), ATM (ATM serine/threonine kinase; plus strand). Cytogenetic location: 11q22.3.
Variant type: single nucleotide variant.
Coding change: c.8850+1G>A on transcript NM_000051.4 (MANE Select); the canonical splice donor site of the intron after coding-DNA position 8850, G replaced by A.
Molecular consequence: splice donor variant. On other transcripts: intron variant (2).
Genome position (GRCh38, 1-based): chr11:108,354,875, G>A. VCF-style: chr11-108354875-G-A. GRCh37 (hg19) VCF-style: chr11-108225602-G-A.
Other names: c.8850+1G>A (NM_001351834.2); c.640+31045C>T (NM_001330368.2); c.695-19583C>T (NM_001351110.2).
Identifiers: ClinVar variation 487023 (VCV000487023.11), dbSNP rs1555143620, ClinGen allele CA382526127.

ClinVar aggregate classification (germline): Pathogenic/Likely pathogenic. Review status: criteria provided, multiple submitters, no conflicts (2 of 4 stars). 4 submissions from 4 submitters: Pathogenic (1); Likely pathogenic (3). Last evaluated 2026-05-28.

Conditions:
Hereditary cancer-predisposing syndrome. Also called: Neoplastic Syndromes, Hereditary; Hereditary Cancer Syndrome; Tumor predisposition; Hereditary neoplastic syndrome. Identifiers: Orphanet 140162, MedGen C0027672, MeSH D009386, MONDO:0015356.
Breast and/or ovarian cancer. Identifiers: MedGen CN221562.

Allele frequency attached by ClinVar (database versions not stated): gnomAD exomes below 0.00001.
gnomAD v4.1: 2 of 1,611,036 alleles (0.00012%); highest among the groups gnomAD compares: Non-Finnish European, 0.00017%; no homozygotes.

Submissions (4):

Ambry Genetics
Classification: Likely pathogenic for Hereditary cancer-predisposing syndrome. Last evaluated: 2026-05-28. Review status: criteria provided, single submitter. Criteria: Ambry Variant Classification Scheme 2023. Collection method: clinical testing. Allele origin: germline.
Comment: The c.8850+1G>A intronic variant results from a G to A substitution one nucleotide after coding exon 60 of the ATM gene. This nucleotide position is highly conserved in available vertebrate species. In silico splice site analysis predicts that this alteration will weaken the native splice donor site; however, direct evidence is insufficient at this time (Ambry internal data). This variant is considered to be rare based on population cohorts in the Genome Aggregation Database (gnomAD). Alterations that disrupt the canonical splice site are expected to cause aberrant splicing, resulting in an abnormal protein or a transcript that is subject to nonsense-mediated mRNA decay. As such, this alteration is classified as likely pathogenic.

Color Diagnostics, LLC DBA Color Health
Classification: Likely pathogenic for Hereditary cancer-predisposing syndrome. Last evaluated: 2023-03-29. Review status: criteria provided, single submitter. Criteria: ACMG Guidelines, 2015. Collection method: clinical testing. Allele origin: germline.
Comment: This variant causes a G to A nucleotide substitution at the +1 position of intron 61 of the ATM gene. Splice site prediction tools predict that this variant may have a significant impact on RNA splicing. Although this prediction has not been confirmed in published RNA studies, this variant is expected to result in an absent or disrupted protein product. This variant has been reported in an individual affected with pancreatic ductal adenocarcinomas (PMID: 30836094) and in an individual affected with breast cancer who also carried two co-variants in MLH1 gene and PALB2 gene (DOI: 10.1101/2022.05.31.22275080). This variant has not been identified in the general population by the Genome Aggregation Database (gnomAD). Loss of ATM function is a known mechanism of disease. Based on the available evidence, this variant is classified as Likely Pathogenic.

CHEO Genetics Diagnostic Laboratory, Children's Hospital of Eastern Ontario
Classification: Pathogenic for Breast and/or ovarian cancer. Last evaluated: 2022-09-02. Review status: criteria provided, single submitter. Criteria: ACMG Guidelines, 2015. Collection method: clinical testing. Allele origin: germline.

Institute for Medical Genetics and Human Genetics, Charité - Universitätsmedizin Berlin
Classification: Likely pathogenic. Review status: criteria provided, single submitter. Criteria: ACMG Guidelines, 2015. Collection method: not provided. Allele origin: germline. Inheritance: Autosomal dominant inheritance. Affected: yes.

Literature cited by the submitters: PubMed 30836094 (cited by Color Diagnostics, LLC DBA Color Health).